The following is an entry in ClinVar:

NM_021100.5(NFS1):c.1053C>T (p.Pro351=)

Gene: NFS1 (NFS1 cysteine desulfurase; minus strand). Cytogenetic location: 20q11.22.
Variant type: single nucleotide variant.
Coding change: c.1053C>T on transcript NM_021100.5 (MANE Select); coding-DNA position 1053, C replaced by T.
Protein change: p.Pro351=; no amino-acid change (proline 351 retained).
Molecular consequence: synonymous variant. On other transcripts: non-coding transcript variant (1).
Genome position (GRCh38, 1-based): chr20:35,674,513, G>A on the plus strand (C>T on the coding strand, the complement: NFS1 is on the minus strand). VCF-style: chr20-35674513-G-A. GRCh37 (hg19) VCF-style: chr20-34262435-G-A.
Other names: c.900C>T, p.Pro300= (NM_001198989.2).
Identifiers: ClinVar variation 384040 (VCV000384040.5), dbSNP rs763462869, ClinGen allele CA9837074.

ClinVar aggregate classification (germline): Conflicting classifications of pathogenicity. Review status: criteria provided, conflicting classifications (1 of 4 stars). 3 submissions from 3 submitters: Uncertain significance (1); Likely benign (1). 1 of the submissions does not count toward it. Last evaluated 2024-10-25.

Conditions:
NFS1-related disorder. Also called: NFS1-related condition.

Allele frequency attached by ClinVar (database versions not stated): ExAC 0.00003; gnomAD exomes 0.00003; gnomAD 0.00004; TOPMed 0.00006.
gnomAD v4.1: 44 of 1,613,112 alleles (0.0027%); highest among the groups gnomAD compares: Middle Eastern, 0.016%; no homozygotes.

Submissions (3):

Labcorp Genetics (formerly Invitae), Labcorp
Classification: Uncertain significance. Last evaluated: 2024-10-25. Review status: criteria provided, single submitter. Criteria: Invitae Variant Classification Sherloc (09022015). Collection method: clinical testing. Allele origin: germline.
Comment: This sequence change affects codon 351 of the NFS1 mRNA. It is a 'silent' change, meaning that it does not change the encoded amino acid sequence of the NFS1 protein. It affects a nucleotide within the consensus splice site. This variant is present in population databases (rs763462869, gnomAD 0.01%). This variant has not been reported in the literature in individuals affected with NFS1-related conditions. ClinVar contains an entry for this variant (Variation ID: 384040). Algorithms developed to predict the effect of sequence changes on RNA splicing suggest that this variant is not likely to affect RNA splicing. In summary, the available evidence is currently insufficient to determine the role of this variant in disease. Therefore, it has been classified as a Variant of Uncertain Significance.

GeneDx
Classification: Likely benign. Last evaluated: 2016-03-14. Review status: criteria provided, single submitter. Criteria: GeneDx Variant Classification (06012015). Collection method: clinical testing. Allele origin: germline. Affected: yes.
Comment: This variant is considered likely benign or benign based on one or more of the following criteria: it is a conservative change, it occurs at a poorly conserved position in the protein, it is predicted to be benign by multiple in silico algorithms, and/or has population frequency not consistent with disease.

PreventionGenetics, part of Exact Sciences
Classification: Likely benign for NFS1-related condition. Last evaluated: 2019-06-14. Review status: no assertion criteria provided. Collection method: clinical testing. Allele origin: germline. Not counted in ClinVar's aggregate classification.
Comment: This variant is classified as likely benign based on ACMG/AMP sequence variant interpretation guidelines (Richards et al. 2015 PMID: 25741868, with internal and published modifications).